The following is an entry in ClinVar:

ClinVar aggregate classification (germline): Uncertain significance (1 of 4 stars; one submission).

Submission:

Labcorp Genetics (formerly Invitae), Labcorp
Classification: Uncertain significance. Last evaluated: 2022-12-06. Review status: criteria provided, single submitter. Criteria: Invitae Variant Classification Sherloc (09022015). Collection method: clinical testing. Allele origin: germline.
Comment: In summary, the available evidence is currently insufficient to determine the role of this variant in disease. Therefore, it has been classified as a Variant of Uncertain Significance. Advanced modeling of protein sequence and biophysical properties (such as structural, functional, and spatial information, amino acid conservation, physicochemical variation, residue mobility, and thermodynamic stability) performed at Invitae indicates that this missense variant is not expected to disrupt ERCC8 protein function. This sequence change replaces serine, which is neutral and polar, with threonine, which is neutral and polar, at codon 150 of the ERCC8 protein (p.Ser150Thr). This variant is not present in population databases (gnomAD no frequency). This variant has not been reported in the literature in individuals affected with ERCC8-related conditions.

NM_000082.4(ERCC8):c.448T>A (p.Ser150Thr)

Gene: ERCC8 (ERCC excision repair 8, CSA ubiquitin ligase complex subunit; minus strand). Cytogenetic location: 5q12.1.
Variant type: single nucleotide variant.
Coding change: c.448T>A on transcript NM_000082.4 (MANE Select); coding-DNA position 448, T replaced by A.
Protein change: p.Ser150Thr; replaces serine 150 with threonine.
Molecular consequence: missense variant. On other transcripts: intron variant (1).
Genome position (GRCh38, 1-based): chr5:60,904,825, A>T on the plus strand (T>A on the coding strand, the complement: ERCC8 is on the minus strand). VCF-style: chr5-60904825-A-T. GRCh37 (hg19) VCF-style: chr5-60200652-A-T.
Other names: c.274T>A, p.Ser92Thr (NM_001007233.3); c.448T>A, p.Ser150Thr (NM_001007234.3); c.23-1109T>A (NM_001290285.2); short protein forms S150T, S92T.
Identifiers: ClinVar variation 2133881 (VCV002133881.4), dbSNP rs2531802294, ClinGen allele CA359827250.